The following is an entry in ClinVar:

NM_000051.4(ATM):c.2204T>C (p.Ile735Thr)

Gene: ATM (ATM serine/threonine kinase; plus strand). Cytogenetic location: 11q22.3.
Variant type: single nucleotide variant.
Coding change: c.2204T>C on transcript NM_000051.4 (MANE Select); coding-DNA position 2204, T replaced by C.
Protein change: p.Ile735Thr; replaces isoleucine 735 with threonine.
Molecular consequence: missense variant.
Genome position (GRCh38, 1-based): chr11:108,256,294, T>C. VCF-style: chr11-108256294-T-C. GRCh37 (hg19) VCF-style: chr11-108127021-T-C.
Other names: c.2204T>C, p.Ile735Thr (NM_001351834.2); short protein forms I735T.
Identifiers: ClinVar variation 579513 (VCV000579513.9), dbSNP rs1565395012, ClinGen allele CA382539003.

ClinVar aggregate classification (germline): Uncertain significance. Review status: criteria provided, multiple submitters, no conflicts (2 of 4 stars). 2 submissions from 2 submitters: Uncertain significance (2). Last evaluated 2024-01-29.

Conditions:
Hereditary cancer-predisposing syndrome. Also called: Hereditary neoplastic syndrome; Tumor predisposition; Hereditary Cancer Syndrome; Neoplastic Syndromes, Hereditary. Identifiers: Orphanet 140162, MedGen C0027672, MeSH D009386, MONDO:0015356.
Ataxia-telangiectasia syndrome (AT). Also called: Cerebello-oculocutaneous telangiectasia; Immunodeficiency with ataxia telangiectasia; Ataxia telangiectasia (A-T); Ataxia-telangiectasia, complementation group E; LOUIS-BAR SYNDROME; Ataxia-telangiectasia. Identifiers: Orphanet 100, MedGen C0004135, MONDO:0008840, OMIM 208900.

Allele frequency attached by ClinVar (database versions not stated): gnomAD exomes 0.00001.
gnomAD v4.1: 3 of 1,611,406 alleles (0.00019%); no homozygotes.

Submissions (2):

Labcorp Genetics (formerly Invitae), Labcorp
Classification: Uncertain significance for Ataxia-telangiectasia syndrome. Last evaluated: 2024-01-29. Review status: criteria provided, single submitter. Criteria: Invitae Variant Classification Sherloc (09022015). Collection method: clinical testing. Allele origin: germline.
Comment: This sequence change replaces isoleucine, which is neutral and non-polar, with threonine, which is neutral and polar, at codon 735 of the ATM protein (p.Ile735Thr). This variant is not present in population databases (gnomAD no frequency). This variant has not been reported in the literature in individuals affected with ATM-related conditions. ClinVar contains an entry for this variant (Variation ID: 579513). An algorithm developed to predict the effect of missense changes on protein structure and function (PolyPhen-2) suggests that this variant is likely to be tolerated. In summary, the available evidence is currently insufficient to determine the role of this variant in disease. Therefore, it has been classified as a Variant of Uncertain Significance.

Color Diagnostics, LLC DBA Color Health
Classification: Uncertain significance for Hereditary cancer-predisposing syndrome. Last evaluated: 2021-01-05. Review status: criteria provided, single submitter. Criteria: ACMG Guidelines, 2015. Collection method: clinical testing. Allele origin: germline.
Comment: This missense variant replaces isoleucine with threonine at codon 735 of the ATM protein. Computational prediction suggests that this variant may not impact protein structure and function (internally defined REVEL score threshold <= 0.5, PMID: 27666373). To our knowledge, functional studies have not been reported for this variant. This variant has not been reported in individuals affected with hereditary cancer in the literature. This variant has not been identified in the general population by the Genome Aggregation Database (gnomAD). The available evidence is insufficient to determine the role of this variant in disease conclusively. Therefore, this variant is classified as a Variant of Uncertain Significance.